The following is an entry in ClinVar:

NM_001365536.1(SCN9A):c.1140CTT[1] (p.Phe382del)

Genes: SCN9A (sodium voltage-gated channel alpha subunit 9; minus strand), SCN1A-AS1 (SCN1A and SCN9A antisense RNA 1; plus strand). Cytogenetic location: 2q24.3.
Variant type: Microsatellite.
Coding change: c.1140CTT[1] on transcript NM_001365536.1 (MANE Select); one copy of the 3-base unit CTT starting at c.1140; the reference has two copies in a row; one copy, 3 bases deleted.
Protein change: p.Phe382del; deletes phenylalanine 382.
Molecular consequence: inframe deletion. On other transcripts: inframe indel (1).
Genome position (GRCh38, 1-based): chr2:166,288,606-166,288,608, AAG deleted on the plus strand (CTT on the coding strand, the reverse complement: SCN9A is on the minus strand); deleting any 3 consecutive bases within chr2:166,288,606-166,288,612 gives the same sequence; the position shown is the placement nearest the transcript's 3' end. VCF-style (leftmost placement, unchanged base first): chr2-166288605-AAAG-A. GRCh37 (hg19) VCF-style: chr2-167145115-AAAG-A.
Other names: c.1139_1141TCT[1], p.Phe382del (NM_002977.4); short protein forms F382del.
Identifiers: ClinVar variation 1040138 (VCV001040138.8), dbSNP rs1178892201, ClinGen allele CA760217849.

ClinVar aggregate classification (germline): Uncertain significance (1 of 4 stars; one submission).

Conditions:
Neuropathy, hereditary sensory and autonomic, type 2A (HSAN2A). Also called: WNK1-Related HSAN2 (HSAN2A); MORVAN DISEASE; NEUROPATHY, CONGENITAL SENSORY; NEUROPATHY, HEREDITARY SENSORY RADICULAR, AUTOSOMAL RECESSIVE; NEUROPATHY, HEREDITARY SENSORY, TYPE IIA; NEUROPATHY, PROGRESSIVE SENSORY, OF CHILDREN. Identifiers: Orphanet 970, MedGen C2752089, MONDO:0024309, OMIM 201300.
Generalized epilepsy with febrile seizures plus, type 7 (GEFSP7). Also called: GEFS+, TYPE 7. Identifiers: Orphanet 36387, MedGen C2751778, MONDO:0013470, OMIM 613863.

Submission:

Labcorp Genetics (formerly Invitae), Labcorp
Classification: Uncertain significance for Neuropathy, hereditary sensory and autonomic, type 2A; Generalized epilepsy with febrile seizures plus, type 7. Last evaluated: 2024-08-21. Review status: criteria provided, single submitter. Criteria: Invitae Variant Classification Sherloc (09022015). Collection method: clinical testing. Allele origin: germline.
Comment: This variant, c.1143_1145del, results in the deletion of 1 amino acid(s) of the SCN9A protein (p.Phe382del), but otherwise preserves the integrity of the reading frame. This variant is not present in population databases (gnomAD no frequency). This variant has not been reported in the literature in individuals affected with SCN9A-related conditions. Experimental studies and prediction algorithms are not available or were not evaluated, and the functional significance of this variant is currently unknown. In summary, the available evidence is currently insufficient to determine the role of this variant in disease. Therefore, it has been classified as a Variant of Uncertain Significance.